The following is an entry in ClinVar:

NM_018238.4(AGK):c.424-6C>G

Gene: AGK (acylglycerol kinase; plus strand). Cytogenetic location: 7q34.
Variant type: single nucleotide variant.
Coding change: c.424-6C>G on transcript NM_018238.4 (MANE Select); 6 bases into the intron before coding-DNA position 424, C replaced by G.
Molecular consequence: intron variant.
Genome position (GRCh38, 1-based): chr7:141,615,465, C>G. VCF-style: chr7-141615465-C-G. GRCh37 (hg19) VCF-style: chr7-141315265-C-G.
Other names: c.424-6C>G (NM_001364948.3).
Identifiers: ClinVar variation 2062657 (VCV002062657.3), dbSNP rs370409778, ClinGen allele CA4517454.

ClinVar aggregate classification (germline): Uncertain significance. Review status: criteria provided, multiple submitters, no conflicts (2 of 4 stars). 2 submissions from 2 submitters: Uncertain significance (2). Last evaluated 2025-10-06.

Conditions:
Cataract 38. Also called: Cataract, autosomal recessive congenital 5; Cataract 38, autosomal recessive. Identifiers: Orphanet 91492, MedGen C3553494, MONDO:0013859, OMIM 614691.
Sengers syndrome. Also called: MITOCHONDRIAL DNA DEPLETION SYNDROME 10 (CARDIOMYOPATHIC TYPE); Cardiomyopathy and cataract. Identifiers: Orphanet 1369, MedGen C1859317, MONDO:0008922, OMIM 212350.
Inborn genetic diseases. Identifiers: MedGen C0950123, MeSH D030342.

gnomAD v4.1: 24 of 1,612,218 alleles (0.0015%); highest among the groups gnomAD compares: East Asian, 0.0067%; no homozygotes.

Submissions (2):

Labcorp Genetics (formerly Invitae), Labcorp
Classification: Uncertain significance for Sengers syndrome; Cataract 38. Last evaluated: 2025-10-06. Review status: criteria provided, single submitter. Criteria: Invitae Variant Classification Sherloc (09022015). Collection method: clinical testing. Allele origin: germline.
Comment: This sequence change falls in intron 7 of the AGK gene. It does not directly change the encoded amino acid sequence of the AGK protein. This variant is present in population databases (rs370409778, gnomAD 0.02%). This variant has not been reported in the literature in individuals affected with AGK-related conditions. ClinVar contains an entry for this variant (Variation ID: 2062657). Algorithms developed to predict the effect of sequence changes on RNA splicing suggest that this variant may disrupt the consensus splice site. In summary, the available evidence is currently insufficient to determine the role of this variant in disease. Therefore, it has been classified as a Variant of Uncertain Significance.

Ambry Genetics
Classification: Uncertain significance for Inborn genetic diseases. Last evaluated: 2020-12-28. Review status: criteria provided, single submitter. Criteria: Ambry Variant Classification Scheme 2023. Collection method: clinical testing. Allele origin: germline.
Comment: The c.424-6C>G intronic alteration consists of a C to G substitution 6 nucleotides before exon 8 (coding exon 7) in the AGK gene. In silico splice site analysis predicts that this alteration may weaken the native splice acceptor site. Based on insufficient or conflicting evidence, the clinical significance of this alteration remains unclear.